The following is an entry in ClinVar:

ClinVar aggregate classification (germline): Uncertain significance. Review status: criteria provided, multiple submitters, no conflicts (2 of 4 stars). 3 submissions from 3 submitters: Uncertain significance (3). Last evaluated 2025-04-03.

Conditions:
Fanconi anemia (FA). Also called: Fanconi's anemia. Identifiers: Orphanet 84, MedGen C0015625, MeSH D005199, MONDO:0019391.
Inborn genetic diseases. Identifiers: MedGen C0950123, MeSH D030342.

Allele frequency attached by ClinVar (database versions not stated): gnomAD exomes 0.00001; TOPMed 0.00001; gnomAD 0.00002.
gnomAD v4.1: 23 of 1,614,016 alleles (0.0014%); highest among the groups gnomAD compares: East Asian, 0.0067%; no homozygotes.

Submissions (3):

GeneDx
Classification: Uncertain significance. Last evaluated: 2025-04-03. Review status: criteria provided, single submitter. Criteria: GeneDx Variant Classification Process June 2021. Collection method: clinical testing. Allele origin: germline. Affected: yes.
Comment: In silico analysis supports that this missense variant has a deleterious effect on protein structure/function; Has not been previously published as pathogenic or benign to our knowledge

Labcorp Genetics (formerly Invitae), Labcorp
Classification: Uncertain significance for Fanconi anemia. Last evaluated: 2022-03-19. Review status: criteria provided, single submitter. Criteria: Invitae Variant Classification Sherloc (09022015). Collection method: clinical testing. Allele origin: germline.
Comment: In summary, the available evidence is currently insufficient to determine the role of this variant in disease. Therefore, it has been classified as a Variant of Uncertain Significance. Algorithms developed to predict the effect of missense changes on protein structure and function are either unavailable or do not agree on the potential impact of this missense change (SIFT: "Deleterious"; PolyPhen-2: "Probably Damaging"; Align-GVGD: "Class C0"). ClinVar contains an entry for this variant (Variation ID: 1185875). This variant is present in population databases (no rsID available, gnomAD 0.01%). This sequence change replaces glutamic acid, which is acidic and polar, with lysine, which is basic and polar, at codon 419 of the SLX4 protein (p.Glu419Lys). This variant has not been reported in the literature in individuals affected with SLX4-related conditions.

Ambry Genetics
Classification: Uncertain significance for Inborn genetic diseases. Last evaluated: 2021-07-20. Review status: criteria provided, single submitter. Criteria: Ambry Variant Classification Scheme 2023. Collection method: clinical testing. Allele origin: germline.

NM_032444.4(SLX4):c.1255G>A (p.Glu419Lys)

Gene: SLX4 (SLX4 structure-specific endonuclease subunit; minus strand). Cytogenetic location: 16p13.3.
Variant type: single nucleotide variant.
Coding change: c.1255G>A on transcript NM_032444.4 (MANE Select); coding-DNA position 1255, G replaced by A.
Protein change: p.Glu419Lys; replaces glutamic acid 419 with lysine.
Molecular consequence: missense variant.
Genome position (GRCh38, 1-based): chr16:3,597,908, C>T on the plus strand (G>A on the coding strand, the complement: SLX4 is on the minus strand). VCF-style: chr16-3597908-C-T. GRCh37 (hg19) VCF-style: chr16-3647909-C-T.
Other names: short protein forms E419K.
Identifiers: ClinVar variation 1185875 (VCV001185875.12), dbSNP rs941244697, ClinGen allele CA276964748.